The following is an entry in ClinVar:

ClinVar aggregate classification (germline): Uncertain significance (1 of 4 stars; one submission).

gnomAD v4.1: 13 of 1,612,606 alleles (0.00081%); highest among the groups gnomAD compares: Non-Finnish European, 0.0011%; no homozygotes.

Submission:

Labcorp Genetics (formerly Invitae), Labcorp
Classification: Uncertain significance. Last evaluated: 2024-10-06. Review status: criteria provided, single submitter. Criteria: Invitae Variant Classification Sherloc (09022015). Collection method: clinical testing. Allele origin: germline.
Comment: This sequence change replaces leucine, which is neutral and non-polar, with glutamine, which is neutral and polar, at codon 318 of the FOCAD protein (p.Leu318Gln). This variant is present in population databases (rs562185967, gnomAD 0.0009%). This variant has not been reported in the literature in individuals affected with FOCAD-related conditions. Experimental studies and prediction algorithms are not available or were not evaluated, and the functional significance of this variant is currently unknown. In summary, the available evidence is currently insufficient to determine the role of this variant in disease. Therefore, it has been classified as a Variant of Uncertain Significance.

NM_001375567.1(FOCAD):c.953T>A (p.Leu318Gln)

Gene: FOCAD (focadhesin; plus strand). Cytogenetic location: 9p21.3.
Variant type: single nucleotide variant.
Coding change: c.953T>A on transcript NM_001375567.1 (MANE Select); coding-DNA position 953, T replaced by A.
Protein change: p.Leu318Gln; replaces leucine 318 with glutamine.
Molecular consequence: missense variant.
Genome position (GRCh38, 1-based): chr9:20,778,727, T>A. VCF-style: chr9-20778727-T-A. GRCh37 (hg19) VCF-style: chr9-20778726-T-A.
Other names: c.953T>A, p.Leu318Gln (NM_001375568.1, NM_017794.5); c.848T>A, p.Leu283Gln (NM_001375570.1); short protein forms L283Q, L318Q.
Identifiers: ClinVar variation 3631870 (VCV003631870.2).